The following is an entry in ClinVar:

ClinVar aggregate classification (germline): Uncertain significance (1 of 4 stars; one submission).

Conditions:
Familial hypobetalipoproteinemia 1. Also called: Hypobetalipoproteinemia, normotriglyceridemic; Acanthocytosis with hypobetalipoproteinemia; APOB-Related Familial Hypobetalipoproteinemia. Identifiers: MedGen C4551990, MONDO:0014252, OMIM 615558.
Hypercholesterolemia, autosomal dominant, type B (FHCL2). Also called: Familial Hypercholesterolemia Type B; APOLIPOPROTEIN B-100, FAMILIAL DEFECTIVE; APOLIPOPROTEIN B-100, FAMILIAL LIGAND-DEFECTIVE; HYPERCHOLESTEROLEMIA, FAMILIAL, DUE TO LIGAND-DEFECTIVE APOLIPOPROTEIN B; APOB-Related Familial Hypercholesterolemia, Autosomal Dominant; Hyperlipoproteinemia Type IIb. Identifiers: MedGen C1704417, MONDO:0007751, OMIM 144010.

gnomAD v4.1: 1 of 1,614,018 alleles (0.000062%); highest among the groups gnomAD compares: Non-Finnish European, 0.000085%; no homozygotes.

Submission:

Labcorp Genetics (formerly Invitae), Labcorp
Classification: Uncertain significance for Familial hypobetalipoproteinemia 1; Hypercholesterolemia, autosomal dominant, type B. Last evaluated: 2025-10-10. Review status: criteria provided, single submitter. Criteria: Invitae Variant Classification Sherloc (09022015). Collection method: clinical testing. Allele origin: germline.
Comment: This sequence change replaces valine, which is neutral and non-polar, with isoleucine, which is neutral and non-polar, at codon 751 of the APOB protein (p.Val751Ile). This variant is not present in population databases (gnomAD no frequency). This variant has not been reported in the literature in individuals affected with APOB-related conditions. Invitae Evidence Modeling of protein sequence and biophysical properties (such as structural, functional, and spatial information, amino acid conservation, physicochemical variation, residue mobility, and thermodynamic stability) indicates that this missense variant is not expected to disrupt APOB protein function with a negative predictive value of 95%. In summary, the available evidence is currently insufficient to determine the role of this variant in disease. Therefore, it has been classified as a Variant of Uncertain Significance.

NM_000384.3(APOB):c.2251G>A (p.Val751Ile)

Gene: APOB (apolipoprotein B; minus strand). Cytogenetic location: 2p24.1.
Variant type: single nucleotide variant.
Coding change: c.2251G>A on transcript NM_000384.3 (MANE Select); coding-DNA position 2251, G replaced by A.
Protein change: p.Val751Ile; replaces valine 751 with isoleucine.
Molecular consequence: missense variant.
Genome position (GRCh38, 1-based): chr2:21,025,118, C>T on the plus strand (G>A on the coding strand, the complement: APOB is on the minus strand). VCF-style: chr2-21025118-C-T. GRCh37 (hg19) VCF-style: chr2-21247990-C-T.
Other names: short protein forms V751I.
Identifiers: ClinVar variation 4793926 (VCV004793926.1).